The following is an entry in ClinVar:

NM_005546.4(ITK):c.1565T>C (p.Val522Ala)

Gene: ITK (IL2 inducible T cell kinase; plus strand). Cytogenetic location: 5q33.3.
Variant type: single nucleotide variant.
Coding change: c.1565T>C on transcript NM_005546.4 (MANE Select); coding-DNA position 1565, T replaced by C.
Protein change: p.Val522Ala; replaces valine 522 with alanine.
Molecular consequence: missense variant.
Genome position (GRCh38, 1-based): chr5:157,245,931, T>C. VCF-style: chr5-157245931-T-C. GRCh37 (hg19) VCF-style: chr5-156672941-T-C.
Other names: short protein forms V522A.
Identifiers: ClinVar variation 3649785 (VCV003649785.2).
Genomic context (GRCh38, chr5:157,245,931, plus strand): 5'-CTCTTCCCAGGTTCGTTCTGGATGATCAGTACACCAGTTCCACAGGCACCAAATTCCCGG[T>C]GAAGTGGGCATCCCCAGAGGTTTTCTCTTTCAGTCGCTATAGCAGCAAGTCCGATGTGTG-3'
Protein context (NP_005537.3, residues 512-532): YTSSTGTKFP[Val522Ala]KWASPEVFSF

ClinVar aggregate classification (germline): Uncertain significance (1 of 4 stars; one submission).

Conditions:
Lymphoproliferative syndrome 1 (LPFS1). Identifiers: Orphanet 238505, Orphanet 538963, MedGen C3552634, MONDO:0013081, OMIM 613011.

Submission:

Labcorp Genetics (formerly Invitae), Labcorp
Classification: Uncertain significance for Lymphoproliferative syndrome 1. Last evaluated: 2024-04-13. Review status: criteria provided, single submitter. Criteria: Invitae Variant Classification Sherloc (09022015). Collection method: clinical testing. Allele origin: germline.
Comment: This sequence change replaces valine, which is neutral and non-polar, with alanine, which is neutral and non-polar, at codon 522 of the ITK protein (p.Val522Ala). This variant is not present in population databases (gnomAD no frequency). This variant has not been reported in the literature in individuals affected with ITK-related conditions. Advanced modeling of protein sequence and biophysical properties (such as structural, functional, and spatial information, amino acid conservation, physicochemical variation, residue mobility, and thermodynamic stability) performed at Invitae indicates that this missense variant is expected to disrupt ITK protein function with a positive predictive value of 80%. In summary, the available evidence is currently insufficient to determine the role of this variant in disease. Therefore, it has been classified as a Variant of Uncertain Significance.